The following is an entry in ClinVar:

NM_004370.6(COL12A1):c.5720C>T (p.Thr1907Ile)

Gene: COL12A1 (collagen type XII alpha 1 chain; minus strand). Cytogenetic location: 6q13.
Variant type: single nucleotide variant.
Coding change: c.5720C>T on transcript NM_004370.6 (MANE Select); coding-DNA position 5720, C replaced by T.
Protein change: p.Thr1907Ile; replaces threonine 1907 with isoleucine.
Molecular consequence: missense variant.
Genome position (GRCh38, 1-based): chr6:75,133,367, G>A on the plus strand (C>T on the coding strand, the complement: COL12A1 is on the minus strand). VCF-style: chr6-75133367-G-A. GRCh37 (hg19) VCF-style: chr6-75843083-G-A.
Other names: c.5720C>T, p.Thr1907Ile (NM_001424113.1); c.5699C>T, p.Thr1900Ile (NM_001424114.1); c.5447C>T, p.Thr1816Ile (NM_001424115.1); c.2228C>T, p.Thr743Ile (NM_001424116.1, NM_080645.3); short protein forms T1816I, T1900I, T1907I, T743I.
Identifiers: ClinVar variation 3749383 (VCV003749383.2).

ClinVar aggregate classification (germline): Uncertain significance (1 of 4 stars; one submission).

Conditions:
Ullrich congenital muscular dystrophy 2 (UCMD2). Identifiers: Orphanet 75840, MedGen C4225314, MONDO:0014654, OMIM 616470.
Bethlem myopathy 2 (BTHLM2). Identifiers: Orphanet 536516, Orphanet 610, MedGen C4225313, MONDO:0034022, OMIM 616471.

gnomAD v4.1: 5 of 1,613,016 alleles (0.00031%); highest among the groups gnomAD compares: Non-Finnish European, 0.00042%; no homozygotes.

Submission:

Labcorp Genetics (formerly Invitae), Labcorp
Classification: Uncertain significance for Bethlem myopathy 2; Ullrich congenital muscular dystrophy 2. Last evaluated: 2026-01-13. Review status: criteria provided, single submitter. Criteria: Invitae Variant Classification Sherloc (09022015). Collection method: clinical testing. Allele origin: germline.
Comment: This sequence change replaces threonine, which is neutral and polar, with isoleucine, which is neutral and non-polar, at codon 1907 of the COL12A1 protein (p.Thr1907Ile). The frequency data for this variant in the population databases is considered unreliable, as metrics indicate poor data quality at this position in the gnomAD database. This variant has not been reported in the literature in individuals affected with COL12A1-related conditions. ClinVar contains an entry for this variant (Variation ID: 3749383). Invitae Evidence Modeling of protein sequence and biophysical properties (such as structural, functional, and spatial information, amino acid conservation, physicochemical variation, residue mobility, and thermodynamic stability) has been performed for this missense variant. However, the output from this modeling did not meet the statistical confidence thresholds required to predict the impact of this variant on COL12A1 protein function. In summary, the available evidence is currently insufficient to determine the role of this variant in disease. Therefore, it has been classified as a Variant of Uncertain Significance.